The following is an entry in ClinVar:

NM_004360.5(CDH1):c.673A>T (p.Ile225Phe)

Gene: CDH1 (cadherin 1; plus strand). Cytogenetic location: 16q22.1.
Variant type: single nucleotide variant.
Coding change: c.673A>T on transcript NM_004360.5 (MANE Select); coding-DNA position 673, A replaced by T.
Protein change: p.Ile225Phe; replaces isoleucine 225 with phenylalanine.
Molecular consequence: missense variant. On other transcripts: 5 prime UTR variant (2).
Genome position (GRCh38, 1-based): chr16:68,808,834, A>T. VCF-style: chr16-68808834-A-T. GRCh37 (hg19) VCF-style: chr16-68842737-A-T.
Other names: c.673A>T (LRG_301t1); c.673A>T, p.Ile225Phe (NM_001317184.2); c.-943A>T (NM_001317185.2); c.-1147A>T (NM_001317186.2); short protein forms I225F.
Identifiers: ClinVar variation 489860 (VCV000489860.10), dbSNP rs1555515290, ClinGen allele CA396458132.

ClinVar aggregate classification (germline): Uncertain significance. Review status: criteria provided, multiple submitters, no conflicts (2 of 4 stars). 3 submissions from 3 submitters: Uncertain significance (3). Last evaluated 2024-11-10.

Conditions:
Hereditary cancer-predisposing syndrome. Also called: Tumor predisposition; Neoplastic Syndromes, Hereditary; Hereditary Cancer Syndrome; Hereditary neoplastic syndrome. Identifiers: Orphanet 140162, MedGen C0027672, MeSH D009386, MONDO:0015356.
Hereditary diffuse gastric adenocarcinoma (HDGC). Also called: DIFFUSE GASTRIC AND LOBULAR BREAST CANCER SYNDROME. Identifiers: Orphanet 26106, MedGen C1708349, MONDO:0007648, OMIM 137215.

Allele frequency attached by ClinVar (database versions not stated): gnomAD exomes below 0.00001.
gnomAD v4.1: 4 of 1,614,078 alleles (0.00025%); highest among the groups gnomAD compares: Non-Finnish European, 0.00034%; no homozygotes.

Submissions (3):

Labcorp Genetics (formerly Invitae), Labcorp
Classification: Uncertain significance for Hereditary diffuse gastric adenocarcinoma. Last evaluated: 2024-11-10. Review status: criteria provided, single submitter. Criteria: Invitae Variant Classification Sherloc (09022015). Collection method: clinical testing. Allele origin: germline.
Comment: This sequence change replaces isoleucine, which is neutral and non-polar, with phenylalanine, which is neutral and non-polar, at codon 225 of the CDH1 protein (p.Ile225Phe). This variant is not present in population databases (gnomAD no frequency). This variant has not been reported in the literature in individuals affected with CDH1-related conditions. ClinVar contains an entry for this variant (Variation ID: 489860). An algorithm developed to predict the effect of missense changes on protein structure and function (PolyPhen-2) suggests that this variant is likely to be tolerated. In summary, the available evidence is currently insufficient to determine the role of this variant in disease. Therefore, it has been classified as a Variant of Uncertain Significance.

Color Diagnostics, LLC DBA Color Health
Classification: Uncertain significance for Hereditary cancer-predisposing syndrome. Last evaluated: 2023-12-05. Review status: criteria provided, single submitter. Criteria: ACMG Guidelines, 2015. Collection method: clinical testing. Allele origin: germline.
Comment: This missense variant replaces isoleucine with phenylalanine at codon 225 of the CDH1 protein. To our knowledge, functional studies have not been reported for this variant. This variant has not been reported in individuals affected with CDH1-related disorders in the literature. This variant has not been identified in the general population by the Genome Aggregation Database (gnomAD). The available evidence is insufficient to determine the role of this variant in disease conclusively. Therefore, this variant is classified as a Variant of Uncertain Significance.

Ambry Genetics
Classification: Uncertain significance for Hereditary cancer-predisposing syndrome. Last evaluated: 2022-07-11. Review status: criteria provided, single submitter. Criteria: Ambry Variant Classification Scheme 2023. Collection method: clinical testing. Allele origin: germline.
Comment: The p.I225F variant (also known as c.673A>T), located in coding exon 5 of the CDH1 gene, results from an A to T substitution at nucleotide position 673. The isoleucine at codon 225 is replaced by phenylalanine, an amino acid with highly similar properties. This amino acid position is conserved. In addition, the in silico prediction for this alteration is inconclusive. Since supporting evidence is limited at this time, the clinical significance of this alteration remains unclear.